The following is an entry in ClinVar:

NM_001165963.4(SCN1A):c.980dup (p.Glu328fs)

Gene: SCN1A (sodium voltage-gated channel alpha subunit 1; minus strand). Cytogenetic location: 2q24.3.
Variant type: Duplication.
Coding change: c.980dup on transcript NM_001165963.4 (MANE Select); coding-DNA position 980, one base duplicated (T; older notation c.980dupT).
Protein change: p.Glu328fs; shifts the reading frame from glutamic acid 328.
Molecular consequence: frameshift variant. On other transcripts: 5 prime UTR variant (1), non-coding transcript variant (1).
Genome position (GRCh38, 1-based): chr2:166,048,934, A duplicated on the plus strand (T on the coding strand, the reverse complement: SCN1A is on the minus strand). VCF-style (leftmost placement, unchanged base first): chr2-166048933-C-CA. GRCh37 (hg19) VCF-style: chr2-166905443-C-CA.
Other names: p.Glu328Glyfs*12; c.980dup (NM_001165963.3); c.980dup, p.Glu328fs (NM_001165964.3, NM_001202435.3, NM_001353948.2 and 10 more transcripts); c.-1446dup (NM_001353961.2); c.980dupT (NM_001165963.4); short protein forms E328fs.
Identifiers: ClinVar variation 3063805 (VCV003063805.3), dbSNP rs2468200195, ClinGen allele CA2740095872.

ClinVar aggregate classification (germline): Pathogenic/Likely pathogenic. Review status: criteria provided, multiple submitters, no conflicts (2 of 4 stars). 3 submissions from 3 submitters: Pathogenic (2); Likely pathogenic (1). Last evaluated 2025-05-01.

Conditions:
Early-infantile DEE. Also called: Early infantile epileptic encephalopathy with suppression bursts; Early infantile epileptic encephalopathy; Ohtahara syndrome. Identifiers: Orphanet 1934, MedGen C0393706, MONDO:0800491.
Autosomal dominant epilepsy.

Submissions (3):

Labcorp Genetics (formerly Invitae), Labcorp
Classification: Pathogenic for Early-infantile DEE. Last evaluated: 2025-05-01. Review status: criteria provided, single submitter. Criteria: Invitae Variant Classification Sherloc (09022015). Collection method: clinical testing. Allele origin: germline.
Comment: This sequence change creates a premature translational stop signal (p.Glu328Glyfs*12) in the SCN1A gene. It is expected to result in an absent or disrupted protein product. Loss-of-function variants in SCN1A are known to be pathogenic (PMID: 17347258, 18930999). This variant is not present in population databases (gnomAD no frequency). This variant has not been reported in the literature in individuals affected with SCN1A-related conditions. ClinVar contains an entry for this variant (Variation ID: 3063805). For these reasons, this variant has been classified as Pathogenic.

Mayo Clinic Laboratories, Mayo Clinic
Classification: Likely pathogenic. Last evaluated: 2025-04-11. Review status: criteria provided, single submitter. Criteria: ACMG Guidelines, 2015. Collection method: clinical testing. Allele origin: germline. Observed: 1 variant allele.
Comment: PM2_supporting, PVS1

Women's Health and Genetics/Laboratory Corporation of America, LabCorp
Classification: Pathogenic. Last evaluated: 2024-01-08. Review status: criteria provided, single submitter. Criteria: LabCorp Variant Classification Summary - May 2015. Collection method: clinical testing. Allele origin: germline.
Comment: Variant summary: SCN1A c.980dupT (p.Glu328GlyfsX12) results in a premature termination codon, predicted to cause a truncation of the encoded protein or absence of the protein due to nonsense mediated decay, which are commonly known mechanisms for disease. The variant was absent in 250414 control chromosomes (gnomAD). To our knowledge, no occurrence of c.980dupT in individuals affected with SCN1A-Related Seizure Disorder and no experimental evidence demonstrating its impact on protein function have been reported. No submitters have cited clinical-significance assessments for this variant to ClinVar. Based on the evidence outlined above, the variant was classified as pathogenic.

Literature cited by the submitters: PubMed 17347258 (cited by Labcorp Genetics (formerly Invitae), Labcorp); PubMed 18930999 (cited by Labcorp Genetics (formerly Invitae), Labcorp).